The following is an entry in ClinVar:

ClinVar aggregate classification (germline): Uncertain significance (1 of 4 stars; one submission).

Conditions:
Inborn genetic diseases. Identifiers: MedGen C0950123, MeSH D030342.

Submission:

Ambry Genetics
Classification: Uncertain significance for Inborn genetic diseases. Last evaluated: 2025-07-05. Review status: criteria provided, single submitter. Criteria: Ambry Variant Classification Scheme 2023. Collection method: clinical testing. Allele origin: germline.
Comment: The p.H782Y variant (also known as c.2344C>T), located in coding exon 13 of the ASXL1 gene, results from a C to T substitution at nucleotide position 2344. The histidine at codon 782 is replaced by tyrosine, an amino acid with similar properties. This amino acid position is conserved. In addition, this alteration is predicted to be tolerated by in silico analysis. Based on the available evidence, the clinical significance of this variant remains unclear.

NM_015338.6(ASXL1):c.2344C>T (p.His782Tyr)

Gene: ASXL1 (ASXL transcriptional regulator 1; plus strand). Cytogenetic location: 20q11.21.
Variant type: single nucleotide variant.
Coding change: c.2344C>T on transcript NM_015338.6 (MANE Select); coding-DNA position 2344, C replaced by T.
Protein change: p.His782Tyr; replaces histidine 782 with tyrosine.
Molecular consequence: missense variant.
Genome position (GRCh38, 1-based): chr20:32,435,056, C>T. VCF-style: chr20-32435056-C-T. GRCh37 (hg19) VCF-style: chr20-31022859-C-T.
Other names: c.2161C>T, p.His721Tyr (NM_001363734.1); short protein forms H782Y, H721Y.
Identifiers: ClinVar variation 4158034 (VCV004158034.1).